The following is an entry in ClinVar:

NM_004360.5(CDH1):c.2474del (p.Pro825fs)

Gene: CDH1 (cadherin 1; plus strand). Cytogenetic location: 16q22.1.
Variant type: Deletion.
Coding change: c.2474del on transcript NM_004360.5 (MANE Select); coding-DNA position 2474, one base deleted (C; older notation c.2474delC).
Protein change: p.Pro825fs; shifts the reading frame from proline 825.
Molecular consequence: frameshift variant.
Genome position (GRCh38, 1-based): chr16:68,833,324, C deleted; the last of 4 consecutive C bases (chr16:68,833,321-68,833,324); deleting any one gives the same sequence. VCF-style (leftmost placement, unchanged base first): chr16-68833320-GC-G. GRCh37 (hg19) VCF-style: chr16-68867223-GC-G.
Other names: c.2291del, p.Pro764fs (NM_001317184.2); c.926del, p.Pro309fs (NM_001317185.2); c.509del, p.Pro170fs (NM_001317186.2); short protein forms P825fs, P170fs, P309fs, P764fs.
Identifiers: ClinVar variation 656340 (VCV000656340.9), dbSNP rs1555518221, ClinGen allele CA915949333.

ClinVar aggregate classification (germline): Pathogenic (1 of 4 stars; one submission).

Conditions:
Hereditary diffuse gastric adenocarcinoma (HDGC). Also called: DIFFUSE GASTRIC AND LOBULAR BREAST CANCER SYNDROME. Identifiers: Orphanet 26106, MedGen C1708349, MONDO:0007648, OMIM 137215.

Submission:

Labcorp Genetics (formerly Invitae), Labcorp
Classification: Pathogenic for Hereditary diffuse gastric adenocarcinoma. Last evaluated: 2020-11-21. Review status: criteria provided, single submitter. Criteria: Invitae Variant Classification Sherloc (09022015). Collection method: clinical testing. Allele origin: germline.
Comment: This sequence change results in a premature translational stop signal in the CDH1 gene (p.Pro825Argfs*21). While this is not anticipated to result in nonsense mediated decay, it is expected to disrupt the last 58 amino acids of the CDH1 protein. This variant is not present in population databases (ExAC no frequency). This variant has not been reported in the literature in individuals with CDH1-related conditions. ClinVar contains an entry for this variant (Variation ID: 656340). Experimental studies and prediction algorithms are not available for this variant, and the functional significance of the affected amino acid(s) is currently unknown. This variant disrupts the C-terminus of the CDH1 protein. Other variant(s) that disrupt this region (p.Pro826Alafs*3, p.Glu836*) have been determined to be pathogenic (PMID: 29798843, Invitae). This suggests that variants that disrupt this region of the protein are likely to be causative of disease. For these reasons, this variant has been classified as Pathogenic.

Literature cited by the submitters: PubMed 29798843.